The following is an entry in ClinVar:

NM_017849.4(TMEM127):c.589C>T (p.Arg197Cys)

Gene: TMEM127 (transmembrane protein 127; minus strand). Cytogenetic location: 2q11.2.
Variant type: single nucleotide variant.
Coding change: c.589C>T on transcript NM_017849.4 (MANE Select); coding-DNA position 589, C replaced by T.
Protein change: p.Arg197Cys; replaces arginine 197 with cysteine.
Molecular consequence: missense variant.
Genome position (GRCh38, 1-based): chr2:96,253,936, G>A on the plus strand (C>T on the coding strand, the complement: TMEM127 is on the minus strand). VCF-style: chr2-96253936-G-A. GRCh37 (hg19) VCF-style: chr2-96919674-G-A.
Other names: c.589C>T, p.Arg197Cys (NM_001193304.3); short protein forms R197C.
Identifiers: ClinVar variation 337502 (VCV000337502.21), dbSNP rs140860906, ClinGen allele CA1777274.

ClinVar aggregate classification (germline): Conflicting classifications of pathogenicity. Review status: criteria provided, conflicting classifications (1 of 4 stars). 6 submissions from 6 submitters: Uncertain significance (4); Likely benign (2). Last evaluated 2026-07-28.

Conditions:
Hereditary pheochromocytoma and paraganglioma. Also called: Hereditary Paraganglioma-Pheochromocytoma Syndromes; Hereditary paragangliomas and pheochromocytomas; Hereditary pheochromocytoma-paraganglioma. Identifiers: Orphanet 29072, MedGen C4274332, MONDO:0017366.
Hereditary cancer-predisposing syndrome. Also called: Tumor predisposition; Neoplastic Syndromes, Hereditary; Hereditary neoplastic syndrome; Hereditary Cancer Syndrome. Identifiers: Orphanet 140162, MedGen C0027672, MeSH D009386, MONDO:0015356.
Pheochromocytoma. Also called: MAX-Related Hereditary Paraganglioma-Pheochromocytoma Syndrome. Identifiers: Orphanet 29072, MedGen C0031511, MONDO:0008233, OMIM 171300, HP:0002666.

Allele frequency attached by ClinVar (database versions not stated): gnomAD 0.00001; ESP Exome Variant Server 0.00008; TOPMed 0.00005; gnomAD exomes 0.00004 and 0.00001; ExAC 0.00007.
gnomAD v4.1: 20 of 1,613,890 alleles (0.0012%); highest among the groups gnomAD compares: East Asian, 0.0022%; no homozygotes.

Submissions (6):

Myriad Genetics, Inc.
Classification: Likely benign for Hereditary pheochromocytoma and paraganglioma. Last evaluated: 2026-07-28. Review status: criteria provided, single submitter. Criteria: Myriad Autosomal Dominant, Autosomal Recessive and X-Linked Classification Criteria (2023). Collection method: clinical testing. Allele origin: unknown.
Comment: This variant is considered likely benign. This variant has been observed at a population frequency that is significantly greater than expected given the associated disease prevalence and penetrance.

Ambry Genetics
Classification: Uncertain significance for Hereditary cancer-predisposing syndrome. Last evaluated: 2025-10-25. Review status: criteria provided, single submitter. Criteria: Ambry Variant Classification Scheme 2023. Collection method: clinical testing. Allele origin: germline.
Comment: The p.R197C variant (also known as c.589C>T), located in coding exon 3 of the TMEM127 gene, results from a C to T substitution at nucleotide position 589. The arginine at codon 197 is replaced by cysteine, an amino acid with highly dissimilar properties. This amino acid position is highly conserved in available vertebrate species. In addition, this alteration is predicted to be deleterious by in silico analysis. Since supporting evidence is limited at this time, the clinical significance of this alteration remains unclear.

Quest Diagnostics Nichols Institute San Juan Capistrano
Classification: Uncertain significance. Last evaluated: 2025-07-22. Review status: criteria provided, single submitter. Criteria: Quest Diagnostics criteria. Collection method: clinical testing. Allele origin: unknown.
Comment: The TMEM127 c.589C>T (p.Arg197Cys) variant has not been reported in individuals with TMEM127-related conditions in the published literature. The frequency of this variant in the general population (Genome Aggregation Database) is higher than would generally be expected for pathogenic variants in this gene. Analysis of this variant using bioinformatics tools for the prediction of the effect of amino acid changes on protein structure and function yielded predictions that this variant is damaging. Based on the available information, we are unable to determine the clinical significance of this variant.

Labcorp Genetics (formerly Invitae), Labcorp
Classification: Uncertain significance for Hereditary pheochromocytoma and paraganglioma. Last evaluated: 2025-07-15. Review status: criteria provided, single submitter. Criteria: Invitae Variant Classification Sherloc (09022015). Collection method: clinical testing. Allele origin: germline.
Comment: This sequence change replaces arginine, which is basic and polar, with cysteine, which is neutral and slightly polar, at codon 197 of the TMEM127 protein (p.Arg197Cys). This variant is present in population databases (rs140860906, gnomAD 0.007%). This variant has not been reported in the literature in individuals affected with TMEM127-related conditions. ClinVar contains an entry for this variant (Variation ID: 337502). An algorithm developed to predict the effect of missense changes on protein structure and function (PolyPhen-2) suggests that this variant is likely to be disruptive. In summary, the available evidence is currently insufficient to determine the role of this variant in disease. Therefore, it has been classified as a Variant of Uncertain Significance.

Blueprint Genetics
Classification: Uncertain significance. Last evaluated: 2023-03-06. Review status: criteria provided, single submitter. Criteria: ACMG Guidelines, 2015. Collection method: clinical testing. Allele origin: germline.

Illumina Laboratory Services, Illumina
Classification: Likely benign for Pheochromocytoma. Last evaluated: 2018-01-12. Review status: criteria provided, single submitter. Criteria: ICSL Variant Classification Criteria 13 December 2019. Collection method: clinical testing. Allele origin: germline.
Comment: This variant was observed in the ICSL laboratory as part of a predisposition screen in an ostensibly healthy population. It had not been previously curated by ICSL or reported in the Human Gene Mutation Database (HGMD: prior to June 1st, 2018), and was therefore a candidate for classification through an automated scoring system. Utilizing variant allele frequency, disease prevalence and penetrance estimates, and inheritance mode, an automated score was calculated to assess if this variant is too frequent to cause the disease. Based on the score and internal cut-off values, a variant classified as likely benign is not then subjected to further curation. The score for this variant resulted in a classification of likely benign for this disease.